The following is an entry in ClinVar:

ClinVar aggregate classification (germline): Uncertain significance (1 of 4 stars; one submission).

Conditions:
LRRC45-related disorder. Also called: LRRC45-related condition.

Submission:

PreventionGenetics, part of Exact Sciences
Classification: Uncertain significance for LRRC45-related condition. Last evaluated: 2026-01-07. Review status: criteria provided, single submitter. Criteria: ACMG Guidelines, 2015. Collection method: clinical testing. Allele origin: germline.
Comment: The LRRC45 c.1646G>A variant is predicted to result in the amino acid substitution p.Arg549Gln. To our knowledge, this variant has not been reported in the literature or in a large population database (gnomAD), indicating this variant is rare. At this time, the clinical significance of this variant is uncertain due to the absence of conclusive functional and genetic evidence.

NM_144999.4(LRRC45):c.1646G>A (p.Arg549Gln)

Gene: LRRC45 (leucine rich repeat containing 45; plus strand). Cytogenetic location: 17q25.3.
Variant type: single nucleotide variant.
Coding change: c.1646G>A on transcript NM_144999.4 (MANE Select); coding-DNA position 1646, G replaced by A.
Protein change: p.Arg549Gln; replaces arginine 549 with glutamine.
Molecular consequence: missense variant.
Genome position (GRCh38, 1-based): chr17:82,030,216, G>A. VCF-style: chr17-82030216-G-A. GRCh37 (hg19) VCF-style: chr17-79988092-G-A.
Other names: short protein forms R549Q.
Identifiers: ClinVar variation 4996343 (VCV004996343.1).